The following is an entry in ClinVar:

ClinVar aggregate classification (germline): Likely benign (0 of 4 stars; one submission).

Conditions:
DNAH6-related disorder. Also called: DNAH6-related condition.

Allele frequency attached by ClinVar (database versions not stated): TOPMed 0.00002; gnomAD 0.00005; gnomAD exomes 0.00005; ExAC 0.00018; 1000 Genomes Project 0.00020; 1000 Genomes Project 30x 0.00031.
gnomAD v4.1: 82 of 1,541,050 alleles (0.0053%); highest among the groups gnomAD compares: Middle Eastern, 0.085%; no homozygotes.

Submission:

PreventionGenetics, part of Exact Sciences
Classification: Likely benign for DNAH6-related condition. Last evaluated: 2019-10-28. Review status: no assertion criteria provided. Collection method: clinical testing. Allele origin: germline.
Comment: This variant is classified as likely benign based on ACMG/AMP sequence variant interpretation guidelines (Richards et al. 2015 PMID: 25741868, with internal and published modifications).

NM_001370.2(DNAH6):c.3960T>C (p.Val1320=)

Gene: DNAH6 (dynein axonemal heavy chain 6; plus strand). Cytogenetic location: 2p11.2.
Variant type: single nucleotide variant.
Coding change: c.3960T>C on transcript NM_001370.2 (MANE Select); coding-DNA position 3960, T replaced by C.
Protein change: p.Val1320=; no amino-acid change (valine 1320 retained).
Molecular consequence: synonymous variant.
Genome position (GRCh38, 1-based): chr2:84,621,440, T>C. VCF-style: chr2-84621440-T-C. GRCh37 (hg19) VCF-style: chr2-84848564-T-C.
Identifiers: ClinVar variation 3035034 (VCV003035034.2), dbSNP rs577123046, ClinGen allele CA1737105.